The following is an entry in ClinVar:

ClinVar aggregate classification (germline): Conflicting classifications of pathogenicity. Review status: criteria provided, conflicting classifications (1 of 4 stars). 4 submissions from 4 submitters: Uncertain significance (3); Likely benign (1). Last evaluated 2025-12-22.

Conditions:
Ataxia-telangiectasia syndrome (AT). Also called: Ataxia-telangiectasia; Cerebello-oculocutaneous telangiectasia; Immunodeficiency with ataxia telangiectasia; Ataxia-telangiectasia, complementation group D; AT, COMPLEMENTATION GROUP C; LOUIS-BAR SYNDROME. Identifiers: Orphanet 100, MedGen C0004135, MONDO:0008840, OMIM 208900.
Hereditary cancer-predisposing syndrome. Also called: Tumor predisposition; Hereditary neoplastic syndrome; Hereditary Cancer Syndrome; Neoplastic Syndromes, Hereditary. Identifiers: Orphanet 140162, MedGen C0027672, MeSH D009386, MONDO:0015356.

Submissions (4):

Ambry Genetics
Classification: Likely benign for Hereditary cancer-predisposing syndrome. Last evaluated: 2025-12-22. Review status: criteria provided, single submitter. Criteria: Ambry Variant Classification Scheme 2023. Collection method: clinical testing. Allele origin: germline.

Quest Diagnostics Nichols Institute San Juan Capistrano
Classification: Uncertain significance. Last evaluated: 2024-06-19. Review status: criteria provided, single submitter. Criteria: Quest Diagnostics criteria. Collection method: clinical testing. Allele origin: unknown.

Molecular Pathology, Peter Maccallum Cancer Centre
Classification: Uncertain significance for Ataxia-telangiectasia syndrome. Last evaluated: 2024-06-17. Review status: criteria provided, single submitter. Criteria: ACMG Guidelines, 2015. Collection method: clinical testing. Allele origin: germline. Inheritance: Autosomal recessive inheritance.

Labcorp Genetics (formerly Invitae), Labcorp
Classification: Uncertain significance for Ataxia-telangiectasia syndrome. Last evaluated: 2022-11-12. Review status: criteria provided, single submitter. Criteria: Invitae Variant Classification Sherloc (09022015). Collection method: clinical testing. Allele origin: germline.
Comment: This sequence change replaces arginine, which is basic and polar, with glycine, which is neutral and non-polar, at codon 309 of the ATM protein (p.Arg309Gly). This variant is not present in population databases (gnomAD no frequency). This variant has not been reported in the literature in individuals affected with ATM-related conditions. ClinVar contains an entry for this variant (Variation ID: 232565). Algorithms developed to predict the effect of missense changes on protein structure and function are either unavailable or do not agree on the potential impact of this missense change (SIFT: "Deleterious"; PolyPhen-2: "Benign"; Align-GVGD: "Class C15"). In summary, the available evidence is currently insufficient to determine the role of this variant in disease. Therefore, it has been classified as a Variant of Uncertain Significance.

Literature cited by the submitters: PubMed 40580951 (cited by Ambry Genetics).

NM_000051.4(ATM):c.925A>G (p.Arg309Gly)

Gene: ATM (ATM serine/threonine kinase; plus strand). Cytogenetic location: 11q22.3.
Variant type: single nucleotide variant.
Coding change: c.925A>G on transcript NM_000051.4 (MANE Select); coding-DNA position 925, A replaced by G.
Protein change: p.Arg309Gly; replaces arginine 309 with glycine.
Molecular consequence: missense variant.
Genome position (GRCh38, 1-based): chr11:108,246,987, A>G. VCF-style: chr11-108246987-A-G. GRCh37 (hg19) VCF-style: chr11-108117714-A-G.
Other names: c.925A>G, p.Arg309Gly (NM_001351834.2); short protein forms R309G.
Identifiers: ClinVar variation 232565 (VCV000232565.11), dbSNP rs876659841, ClinGen allele CA10578983.